The following is an entry in ClinVar:

ClinVar aggregate classification (germline): Uncertain significance (1 of 4 stars; one submission).

Conditions:
Cardiovascular phenotype. Identifiers: MedGen CN230736.

Allele frequency attached by ClinVar (database versions not stated): gnomAD exomes below 0.00001.
gnomAD v4.1: 2 of 1,613,144 alleles (0.00012%); highest among the groups gnomAD compares: African/African-American, 0.0027%; no homozygotes.

Submission:

Ambry Genetics
Classification: Uncertain significance for Cardiovascular phenotype. Last evaluated: 2023-10-26. Review status: criteria provided, single submitter. Criteria: Ambry Variant Classification Scheme 2023. Collection method: clinical testing. Allele origin: germline.
Comment: The p.A2025S variant (also known as c.6073G>T), located in coding exon 25 of the AKAP9 gene, results from a G to T substitution at nucleotide position 6073. The alanine at codon 2025 is replaced by serine, an amino acid with similar properties. This amino acid position is conserved. In addition, this alteration is predicted to be tolerated by in silico analysis. Since supporting evidence is limited at this time, the clinical significance of this alteration remains unclear.

NM_005751.5(AKAP9):c.6073G>T (p.Ala2025Ser)

Gene: AKAP9 (A-kinase anchoring protein 9; plus strand). Cytogenetic location: 7q21.2.
Variant type: single nucleotide variant.
Coding change: c.6073G>T on transcript NM_005751.5 (MANE Select); coding-DNA position 6073, G replaced by T.
Protein change: p.Ala2025Ser; replaces alanine 2025 with serine.
Molecular consequence: missense variant.
Genome position (GRCh38, 1-based): chr7:92,065,326, G>T. VCF-style: chr7-92065326-G-T. GRCh37 (hg19) VCF-style: chr7-91694640-G-T.
Other names: c.718G>T, p.Ala240Ser (NM_001379277.1); c.6073G>T, p.Ala2025Ser (NM_147185.3); short protein forms A2025S, A240S.
Identifiers: ClinVar variation 3225078 (VCV003225078.1), dbSNP rs1477894196, ClinGen allele CA368132525.